The following is an entry in ClinVar:

NM_003470.3(USP7):c.296T>C (p.Ile99Thr)

Gene: USP7 (ubiquitin specific peptidase 7; minus strand). Cytogenetic location: 16p13.2.
Variant type: single nucleotide variant.
Coding change: c.296T>C on transcript NM_003470.3 (MANE Select); coding-DNA position 296, T replaced by C.
Protein change: p.Ile99Thr; replaces isoleucine 99 with threonine.
Molecular consequence: missense variant. On other transcripts: 5 prime UTR variant (1), non-coding transcript variant (1).
Genome position (GRCh38, 1-based): chr16:8,923,302, A>G on the plus strand (T>C on the coding strand, the complement: USP7 is on the minus strand). VCF-style: chr16-8923302-A-G. GRCh37 (hg19) VCF-style: chr16-9017159-A-G.
Other names: c.248T>C, p.Ile83Thr (NM_001286457.2); c.-2T>C (NM_001286458.2); c.122T>C, p.Ile41Thr (NM_001321858.2); short protein forms I41T, I83T, I99T.
Identifiers: ClinVar variation 3899706 (VCV003899706.1).

ClinVar aggregate classification (germline): Uncertain significance (1 of 4 stars; one submission).

Submission:

GeneDx
Classification: Uncertain significance. Last evaluated: 2024-11-15. Review status: criteria provided, single submitter. Criteria: GeneDx Variant Classification Process June 2021. Collection method: clinical testing. Allele origin: germline. Affected: yes.
Comment: Not observed at significant frequency in large population cohorts (gnomAD); In silico analysis supports that this missense variant has a deleterious effect on protein structure/function; Has not been previously published as pathogenic or benign to our knowledge